The following is an entry in ClinVar:

ClinVar aggregate classification (germline): Pathogenic (1 of 4 stars; one submission).

Conditions:
Multiple acyl-CoA dehydrogenase deficiency (MADD). Also called: Glutaric aciduria, type 2; Glutaric acidemia type II; GA 2; Glutaric Acidemia type 2; ETHYLMALONIC-ADIPICACIDURIA; GA II. Identifiers: Orphanet 26791, MedGen C0268596, MONDO:0009282, OMIM 231680.

Submission:

Labcorp Genetics (formerly Invitae), Labcorp
Classification: Pathogenic for Multiple acyl-CoA dehydrogenase deficiency. Last evaluated: 2024-02-05. Review status: criteria provided, single submitter. Criteria: Invitae Variant Classification Sherloc (09022015). Collection method: clinical testing. Allele origin: germline.
Comment: This sequence change creates a premature translational stop signal (p.Glu232*) in the ETFDH gene. It is expected to result in an absent or disrupted protein product. Loss-of-function variants in ETFDH are known to be pathogenic (PMID: 16510302, 23785301). This variant is not present in population databases (gnomAD no frequency). This variant has not been reported in the literature in individuals affected with ETFDH-related conditions. For these reasons, this variant has been classified as Pathogenic.

Literature cited by the submitters: PubMed 16510302; PubMed 23785301.

NM_004453.4(ETFDH):c.694G>T (p.Glu232Ter)

Gene: ETFDH (electron transfer flavoprotein dehydrogenase; plus strand). Cytogenetic location: 4q32.1.
Variant type: single nucleotide variant.
Coding change: c.694G>T on transcript NM_004453.4 (MANE Select); coding-DNA position 694, G replaced by T.
Protein change: p.Glu232Ter; replaces glutamic acid 232 with a stop codon.
Molecular consequence: nonsense.
Genome position (GRCh38, 1-based): chr4:158,695,506, G>T. VCF-style: chr4-158695506-G-T. GRCh37 (hg19) VCF-style: chr4-159616658-G-T.
Other names: c.553G>T, p.Glu185Ter (NM_001281737.2); c.511G>T, p.Glu171Ter (NM_001281738.1); short protein forms E185*, E171*, E232*.
Identifiers: ClinVar variation 3638959 (VCV003638959.2).